The following is an entry in ClinVar:

NM_021830.5(TWNK):c.879C>T (p.Ala293=)

Gene: TWNK (twinkle mtDNA helicase; plus strand). Cytogenetic location: 10q24.31.
Variant type: single nucleotide variant.
Coding change: c.879C>T on transcript NM_021830.5 (MANE Select); coding-DNA position 879, C replaced by T.
Protein change: p.Ala293=; no amino-acid change (alanine 293 retained).
Molecular consequence: synonymous variant. On other transcripts: non-coding transcript variant (4), intron variant (3).
Genome position (GRCh38, 1-based): chr10:100,989,089, C>T. VCF-style: chr10-100989089-C-T. GRCh37 (hg19) VCF-style: chr10-102748846-C-T.
Other names: c.879C>T, p.Ala293= (NM_001163812.2); c.-119-555C>T (NM_001163814.2, NM_001163813.2); c.-57-617C>T (NM_001368275.1).
Identifiers: ClinVar variation 507251 (VCV000507251.1), dbSNP rs775515511, ClinGen allele CA5653133.

ClinVar aggregate classification (germline): Likely benign (1 of 4 stars; one submission).

Allele frequency attached by ClinVar (database versions not stated): gnomAD exomes below 0.00001; ExAC 0.00001.

Submission:

GeneDx
Classification: Likely benign. Last evaluated: 2017-02-07. Review status: criteria provided, single submitter. Criteria: GeneDx Variant Classification (06012015). Collection method: clinical testing. Allele origin: germline. Affected: yes.
Comment: This variant is considered likely benign or benign based on one or more of the following criteria: it is a conservative change, it occurs at a poorly conserved position in the protein, it is predicted to be benign by multiple in silico algorithms, and/or has population frequency not consistent with disease.